The following is an entry in ClinVar:

ClinVar aggregate classification (germline): Likely benign (1 of 4 stars; one submission).

Allele frequency attached by ClinVar (database versions not stated): 1000 Genomes Project 30x 0.00062; 1000 Genomes Project 0.00080; gnomAD 0.00082; gnomAD exomes 0.00133.
gnomAD v4.1: 1,245 of 985,024 alleles (0.13%); highest among the groups gnomAD compares: Admixed American, 0.15%; 2 homozygotes.

Submission:

CeGaT Center for Human Genetics Tuebingen
Classification: Likely benign. Last evaluated: 2024-02-01. Review status: criteria provided, single submitter. Criteria: CeGaT Center For Human Genetics Tuebingen Variant Classification Criteria Version 2. Collection method: clinical testing. Allele origin: germline. Affected: yes. Observed: 2 variant alleles.
Comment: IQSEC1: BP4

NM_001134382.3(IQSEC1):c.23+25463A>G

Gene: IQSEC1 (IQ motif and Sec7 domain ArfGEF 1; minus strand). Cytogenetic location: 3p25.2.
Variant type: single nucleotide variant.
Coding change: c.23+25463A>G on transcript NM_001134382.3 (MANE Select); 25463 bases into the intron after coding-DNA position 23, A replaced by G.
Molecular consequence: intron variant.
Genome position (GRCh38, 1-based): chr3:13,047,529, T>C on the plus strand (A>G on the coding strand, the complement: IQSEC1 is on the minus strand). VCF-style: chr3-13047529-T-C. GRCh37 (hg19) VCF-style: chr3-13089029-T-C.
Other names: c.303-7A>G (NM_001376938.2).
Identifiers: ClinVar variation 2653565 (VCV002653565.24), dbSNP rs565417403, ClinGen allele CA70214688.